The following is an entry in ClinVar:

NM_001098.3(ACO2):c.2145CAA[1] (p.Asn716del)

Genes: ACO2 (aconitase 2; plus strand), POLR3H (RNA polymerase III subunit H; minus strand). Cytogenetic location: 22q13.2.
Variant type: Microsatellite.
Coding change: c.2145CAA[1] on transcript NM_001098.3 (MANE Select); one copy of the 3-base unit CAA starting at c.2145; the reference has two copies in a row; one copy, 3 bases deleted.
Protein change: p.Asn716del; deletes asparagine 716.
Molecular consequence: inframe deletion. On other transcripts: 3 prime UTR variant (5).
Genome position (GRCh38, 1-based): chr22:41,527,962-41,527,964, CAA deleted; deleting any 3 consecutive bases within chr22:41,527,958-41,527,964 gives the same sequence; the position shown is the placement nearest the transcript's 3' end. VCF-style (leftmost placement, unchanged base first): chr22-41527957-TACA-T. GRCh37 (hg19) VCF-style: chr22-41923961-TACA-T.
Other names: c.*1320TGT[1] (NM_001018050.4, NM_001018052.4, NM_001282884.2 and 2 more transcripts); short protein forms N716del.
Identifiers: ClinVar variation 1031822 (VCV001031822.11), dbSNP rs2066638829, ClinGen allele CA2406290990.

ClinVar aggregate classification (germline): Conflicting classifications of pathogenicity. Review status: criteria provided, conflicting classifications (1 of 4 stars). 4 submissions from 4 submitters: Likely pathogenic (1); Uncertain significance (3). Last evaluated 2025-10-01.

Conditions:
Optic atrophy 9 (OPA9). Identifiers: MedGen C4225384, MONDO:0014571, OMIM 616289.

Submissions (4):

Labcorp Genetics (formerly Invitae), Labcorp
Classification: Uncertain significance. Last evaluated: 2025-10-01. Review status: criteria provided, single submitter. Criteria: Invitae Variant Classification Sherloc (09022015). Collection method: clinical testing. Allele origin: germline.
Comment: This variant, c.2148_2150del, results in the deletion of 1 amino acid(s) of the ACO2 protein (p.Asn716del), but otherwise preserves the integrity of the reading frame. This variant is not present in population databases (gnomAD no frequency). This variant has been observed in individual(s) with optic atrophy (PMID: 37734845). Experimental studies and prediction algorithms are not available or were not evaluated, and the functional significance of this variant is currently unknown. In summary, the available evidence is currently insufficient to determine the role of this variant in disease. Therefore, it has been classified as a Variant of Uncertain Significance.

GeneDx
Classification: Likely pathogenic. Last evaluated: 2024-09-04. Review status: criteria provided, single submitter. Criteria: GeneDx Variant Classification Process June 2021. Collection method: clinical testing. Allele origin: germline. Affected: yes.
Comment: In-frame deletion of 1 amino acids in a non-repeat region; Not observed at significant frequency in large population cohorts (gnomAD); In silico analysis supports a deleterious effect on protein structure/function; This variant is associated with the following publications: (PMID: 37734845)

Blueprint Genetics
Classification: Uncertain significance. Last evaluated: 2023-09-19. Review status: criteria provided, single submitter. Criteria: ACMG Guidelines, 2015. Collection method: clinical testing. Allele origin: germline.

Baylor Genetics
Classification: Uncertain significance for Optic atrophy 9. Last evaluated: 2018-11-30. Review status: criteria provided, single submitter. Criteria: ACMG Guidelines, 2015. Collection method: clinical testing. Allele origin: unknown. Affected: yes.
Comment: This variant was determined to be of uncertain significance according to ACMG Guidelines, 2015 [PMID:25741868].

Literature cited by the submitters: PubMed 37734845 (cited by Labcorp Genetics (formerly Invitae), Labcorp).